The following is an entry in ClinVar:

NM_025137.4(SPG11):c.442+5G>T

Gene: SPG11 (SPG11 vesicle trafficking associated, spatacsin; minus strand). Cytogenetic location: 15q21.1.
Variant type: single nucleotide variant.
Coding change: c.442+5G>T on transcript NM_025137.4 (MANE Select); 5 bases into the intron after coding-DNA position 442, G replaced by T.
Molecular consequence: intron variant.
Genome position (GRCh38, 1-based): chr15:44,660,427, C>A on the plus strand (G>T on the coding strand, the complement: SPG11 is on the minus strand). VCF-style: chr15-44660427-C-A. GRCh37 (hg19) VCF-style: chr15-44952625-C-A.
Other names: c.442+5G>T (NM_025137.3, NM_001160227.2).
Identifiers: ClinVar variation 800483 (VCV000800483.4), dbSNP rs752482400, ClinGen allele CA915946655.
Genomic context (GRCh38, chr15:44,660,427, plus strand): 5'-AGTATGTAACTACATGGTAATGTCACAAATTTAAATATGCTGAAAGACCACCTGTAGATA[C>A]TTACTGATATCTTGATCGTCAATGAGCTTTTGCAATGCCTCCCTACTACAGCTATACAAA-3'

ClinVar aggregate classification (germline): Uncertain significance. Review status: criteria provided, multiple submitters, no conflicts (2 of 4 stars). 2 submissions from 2 submitters: Uncertain significance (2). Last evaluated 2019-09-12.

Conditions:
Hereditary spastic paraplegia 11. Also called: Spastic Paraplegia 11; Spastic paraplegia, mental retardation and thin corpus callosum; Nakamura Osame syndrome; Autosomal recessive hereditary spastic paraplegia, mental impairment, and thin corpus callosum; SPASTIC PARAPLEGIA, AUTOSOMAL RECESSIVE, COMPLICATED, WITH THIN CORPUS CALLOSUM; SPASTIC PARAPLEGIA, AUTOSOMAL RECESSIVE, WITH MENTAL IMPAIRMENT AND THIN CORPUS CALLOSUM. Identifiers: Orphanet 2822, MedGen C1858479, MONDO:0011445, OMIM 604360.

gnomAD v4.1: 4 of 1,612,460 alleles (0.00025%); highest among the groups gnomAD compares: South Asian, 0.0044%; no homozygotes.

Submissions (2):

Foundation for Research in Genetics and Endocrinology, FRIGE's Institute of Human Genetics
Classification: Uncertain significance for Hereditary spastic paraplegia 11. Last evaluated: 2019-09-12. Review status: criteria provided, single submitter. Criteria: ACMG Guidelines, 2015. Collection method: clinical testing. Allele origin: germline. Inheritance: Autosomal recessive inheritance. Affected: yes. Observed: 1 homozygote.
Comment: A homozygous 5' splice site variation in intron 2 of the SPG11 gene that affects the position 5 nucleotides downstream of donor splice site of exon 2 was detected. The observed variant c.442+5G>T (Splice site) has not been reported in the 1000 genomes and ExAC databases. The in silico prediction of the variant is damaging by MutationTaster2 and DANN. The observed variant has been predicted to result in altered splicing by Human Splicing Finder. The reference base is conserved across species.

Neuberg Centre For Genomic Medicine, NCGM
Classification: Uncertain significance for Hereditary spastic paraplegia 11. Review status: criteria provided, single submitter. Criteria: ACMG Guidelines, 2015. Collection method: clinical testing. Allele origin: germline. Inheritance: Autosomal recessive inheritance. Affected: yes.
Comment: The splice region variant c.442+5G>T in SPG11 (NM_025137.4) has not been reported previously as a pathogenic variant nor as a benign variant, to our knowledge. It has been submitted to ClinVar as Uncertain Significance.The c.442+5G>T variant is novel (not in any individuals) in gnomAD Exomes and is novel (not in any individuals) in 1000 Genomes. The c.442+5G>T variant is predicted to disrupt splicing by all splice site algorithms. The nucleotide c.442+5G>T in SPG11 is predicted conserved by GERP++ and PhyloP across 100 vertebrates. For these reasons, this variant has been classified as Uncertain Significance.